The following is an entry in ClinVar:

ClinVar aggregate classification (germline): Conflicting classifications of pathogenicity. Review status: criteria provided, conflicting classifications (1 of 4 stars). 2 submissions from 2 submitters: Uncertain significance (1); Likely benign (1). Last evaluated 2026-02-06.

gnomAD v4.1: 226 of 1,612,054 alleles (0.014%); highest among the groups gnomAD compares: African/African-American, 0.26%; 7 homozygotes.

Submissions (2):

Women's Health and Genetics/Laboratory Corporation of America, LabCorp
Classification: Likely benign. Last evaluated: 2026-02-06. Review status: criteria provided, single submitter. Criteria: LabCorp Variant Classification Summary - May 2015. Collection method: clinical testing. Allele origin: germline.
Comment: Variant summary: CFHR4 c.121A>T (p.Arg41X) results in a premature termination codon, predicted to cause a truncation of the encoded protein or absence of the protein due to nonsense mediated decay, however current evidence is not sufficient to establish loss of function as a mechanism for disease. The variant allele was found at a frequency of 0.00018 in 249768 control chromosomes, predominantly at a frequency of 0.0025 within the African or African-American subpopulation in the gnomAD database, including 2 homozygotes. The observed variant frequency within African or African-American control individuals in the gnomAD database exceeds the estimated maximal expected allele frequency for disease-causing variants in CFHR4. To our knowledge, no occurrence of c.121A>T in individuals affected with CFHR4-related conditions and no experimental evidence demonstrating its impact on protein function have been reported. ClinVar contains an entry for this variant (Variation ID: 3385301). Based on the evidence outlined above, the variant was classified as likely benign.

Mayo Clinic Laboratories, Mayo Clinic
Classification: Uncertain significance. Last evaluated: 2025-05-05. Review status: criteria provided, single submitter. Criteria: ACMG Guidelines, 2015. Collection method: clinical testing. Allele origin: germline. Observed: 2 variant alleles.

Literature cited by the submitters: PubMed 31345219 (cited by Mayo Clinic Laboratories, Mayo Clinic).

NM_001201550.3(CFHR4):c.121A>T (p.Arg41Ter)

Gene: CFHR4 (complement factor H related 4; plus strand). Cytogenetic location: 1q31.3.
Variant type: single nucleotide variant.
Coding change: c.121A>T on transcript NM_001201550.3 (MANE Select); coding-DNA position 121, A replaced by T.
Protein change: p.Arg41Ter; replaces arginine 41 with a stop codon.
Molecular consequence: nonsense.
Genome position (GRCh38, 1-based): chr1:196,902,480, A>T. VCF-style: chr1-196902480-A-T. GRCh37 (hg19) VCF-style: chr1-196871610-A-T.
Other names: p.Arg40*; c.118A>T, p.Arg40Ter (NM_001201551.2); c.121A>T, p.Arg41Ter (NM_006684.5); short protein forms R40*, R41*.
Identifiers: ClinVar variation 3385301 (VCV003385301.3).